The following is an entry in ClinVar:

ClinVar aggregate classification (germline): Uncertain significance (1 of 4 stars; one submission).

Submission:

GeneDx
Classification: Uncertain significance. Last evaluated: 2025-03-10. Review status: criteria provided, single submitter. Criteria: GeneDx Variant Classification Process June 2021. Collection method: clinical testing. Allele origin: germline. Affected: yes.
Comment: Not observed at significant frequency in large population cohorts (gnomAD); In silico analysis indicates that this missense variant does not alter protein structure/function; Has not been previously published as pathogenic or benign to our knowledge

NM_014712.3(SETD1A):c.2329G>A (p.Ala777Thr)

Gene: SETD1A (SET domain containing 1A, histone lysine methyltransferase; plus strand). Cytogenetic location: 16p11.2.
Variant type: single nucleotide variant.
Coding change: c.2329G>A on transcript NM_014712.3 (MANE Select); coding-DNA position 2329, G replaced by A.
Protein change: p.Ala777Thr; replaces alanine 777 with threonine.
Molecular consequence: missense variant.
Genome position (GRCh38, 1-based): chr16:30,966,210, G>A. VCF-style: chr16-30966210-G-A. GRCh37 (hg19) VCF-style: chr16-30977531-G-A.
Other names: short protein forms A777T.
Identifiers: ClinVar variation 4083066 (VCV004083066.1).